The following is an entry in ClinVar:

ClinVar aggregate classification (germline): Uncertain significance. Review status: criteria provided, multiple submitters, no conflicts (2 of 4 stars). 2 submissions from 2 submitters: Uncertain significance (2). Last evaluated 2026-02-20.

Conditions:
Seizures, benign familial infantile, 3 (BFIS3). Also called: CONVULSIONS, BENIGN FAMILIAL INFANTILE, 3; Familial neonatal seizures. Identifiers: Orphanet 140927, Orphanet 306, MedGen C1843140, MONDO:0011904, OMIM 607745.
Developmental and epileptic encephalopathy, 11 (DEE11). Also called: Early infantile epileptic encephalopathy 11. Identifiers: Orphanet 1934, MedGen C3150987, MONDO:0013388, OMIM 613721.

Allele frequency attached by ClinVar (database versions not stated): gnomAD exomes below 0.00001.
gnomAD v4.1: 1 of 1,614,144 alleles (0.000062%); highest among the groups gnomAD compares: Non-Finnish European, 0.000085%; no homozygotes.

Submissions (2):

GeneDx
Classification: Uncertain significance. Last evaluated: 2026-02-20. Review status: criteria provided, single submitter. Criteria: GeneDx Variant Classification Process June 2021. Collection method: clinical testing. Allele origin: germline.
Comment: Not observed at significant frequency in large population cohorts (gnomAD); In silico analysis supports that this missense variant has a deleterious effect on protein structure/function; Has not been previously published as pathogenic or benign to our knowledge; This substitution is predicted to be within the N-terminal cytoplasmic domain

Labcorp Genetics (formerly Invitae), Labcorp
Classification: Uncertain significance for Seizures, benign familial infantile, 3; Developmental and epileptic encephalopathy, 11. Last evaluated: 2023-10-03. Review status: criteria provided, single submitter. Criteria: Invitae Variant Classification Sherloc (09022015). Collection method: clinical testing. Allele origin: germline.
Comment: This sequence change replaces aspartic acid, which is acidic and polar, with asparagine, which is neutral and polar, at codon 55 of the SCN2A protein (p.Asp55Asn). This variant is not present in population databases (gnomAD no frequency). This variant has not been reported in the literature in individuals affected with SCN2A-related conditions. Advanced modeling of protein sequence and biophysical properties (such as structural, functional, and spatial information, amino acid conservation, physicochemical variation, residue mobility, and thermodynamic stability) performed at Invitae indicates that this missense variant is expected to disrupt SCN2A protein function. In summary, the available evidence is currently insufficient to determine the role of this variant in disease. Therefore, it has been classified as a Variant of Uncertain Significance.

NM_001040142.2(SCN2A):c.163G>A (p.Asp55Asn)

Gene: SCN2A (sodium voltage-gated channel alpha subunit 2; plus strand). Cytogenetic location: 2q24.3.
Variant type: single nucleotide variant.
Coding change: c.163G>A on transcript NM_001040142.2 (MANE Select); coding-DNA position 163, G replaced by A.
Protein change: p.Asp55Asn; replaces aspartic acid 55 with asparagine.
Molecular consequence: missense variant.
Genome position (GRCh38, 1-based): chr2:165,295,986, G>A. VCF-style: chr2-165295986-G-A. GRCh37 (hg19) VCF-style: chr2-166152496-G-A.
Other names: c.163G>A, p.Asp55Asn (NM_001040143.2, NM_001371246.1, NM_001371247.1 and 1 more transcripts); c.163G>A (NM_021007.2); short protein forms D55N.
Identifiers: ClinVar variation 2946939 (VCV002946939.5), dbSNP rs2467838667, ClinGen allele CA349010260.